The following is an entry in ClinVar:

NM_004408.4(DNM1):c.127G>A (p.Gly43Ser)

Genes: CIZ1 (CDKN1A interacting zinc finger protein 1; minus strand), DNM1 (dynamin 1; plus strand). Cytogenetic location: 9q34.11.
Variant type: single nucleotide variant.
Coding change: c.127G>A on transcript NM_004408.4 (MANE Select); coding-DNA position 127, G replaced by A.
Protein change: p.Gly43Ser; replaces glycine 43 with serine.
Molecular consequence: missense variant. On other transcripts: intron variant (2).
Genome position (GRCh38, 1-based): chr9:128,203,597, G>A. VCF-style: chr9-128203597-G-A. GRCh37 (hg19) VCF-style: chr9-130965876-G-A.
Other names: c.127G>A, p.Gly43Ser (NM_001005336.3, NM_001288737.2, NM_001288738.2 and 2 more transcripts); c.-6+589C>T (NM_001131015.2, NM_012127.3); c.[127G>A] (NM_004408.4); c.127G>A (NM_004408.3); short protein forms G43S.
Identifiers: ClinVar variation 520545 (VCV000520545.14), dbSNP rs1554767313, ClinGen allele CA375006746.

ClinVar aggregate classification (germline): Pathogenic/Likely pathogenic. Review status: criteria provided, multiple submitters, no conflicts (2 of 4 stars). 5 submissions from 5 submitters: Pathogenic (4); Likely pathogenic (1). Last evaluated 2024-03-14.

Conditions:
Developmental and epileptic encephalopathy, 31A. Also called: Epileptic encephalopathy, early infantile, 31; Developmental and epileptic encephalopathy, 31. Identifiers: Orphanet 2382, MedGen C4225357, MONDO:0014598, OMIM 616346.
Inborn genetic diseases. Identifiers: MedGen C0950123, MeSH D030342.

Submissions (5):

Genomic Medicine Center of Excellence, King Faisal Specialist Hospital and Research Centre
Classification: Pathogenic for Developmental and epileptic encephalopathy, 31A. Last evaluated: 2024-03-14. Review status: criteria provided, single submitter. Criteria: ACMG Guidelines, 2015. Collection method: research. Allele origin: germline.

Dasa
Classification: Pathogenic for Developmental and epileptic encephalopathy, 31A. Last evaluated: 2022-06-10. Review status: criteria provided, single submitter. Criteria: ACMG Guidelines, 2015. Collection method: clinical testing. Allele origin: germline. Affected: yes. Observed: 1 variant allele.
Comment: The c.127G>A;p.(Gly43Ser) missense change has been observed in affected individual(s) and ClinVar contains an entry for this variant (ClinVar ID: 520545; PMID: 26611353) - PS4. The variant was observed to have arisen de novo (paternity confirmed) in a patient with the disease and no family history (PMID: 26611353) - PS2. The variant is located in a mutational hot spot and/or critical and well-established functional domain (Dynamin_N) - PM1. This variant is not present in population databases:rs1554767313, gnomAD; ABraOM no frequency) - PM2. Multiple lines of computational evidence support a deleterious effect on the gene or gene product - PP3. In summary, the currently available evidence indicates that the variant is Pathogenic

Genetics and Molecular Pathology, SA Pathology
Classification: Likely pathogenic for Developmental and epileptic encephalopathy, 31A. Last evaluated: 2021-03-15. Review status: criteria provided, single submitter. Criteria: ACMG Guidelines, 2015. Collection method: clinical testing. Allele origin: germline. Affected: yes.

Ambry Genetics
Classification: Pathogenic for Inborn genetic diseases. Last evaluated: 2015-11-30. Review status: criteria provided, single submitter. Criteria: Ambry exome assertion method (8-5-2015). Collection method: clinical testing. Allele origin: germline. Affected: yes. Observed: 1 variant allele.

Neuberg Centre For Genomic Medicine, NCGM
Classification: Pathogenic for Developmental and epileptic encephalopathy, 31A. Review status: criteria provided, single submitter. Criteria: ACMG Guidelines, 2015. Collection method: clinical testing. Allele origin: germline. Affected: yes.
Comment: The missense variant p.G43S in DNM1 (NM_004408.4) has been previously reported as a de novo mutation in a patient with Lennox Gestaut syndrome.Protein modelling had revealed a damaging effect (Nakashima M et al,2016). The variant has been submitted to ClinVar as Pathogenic. The p.G43S variant is novel (not in any individuals) in gnomAD Exomes and is novel (not in any individuals) in 1000 Genomes. The p.G43S missense variant is predicted to be damaging by both SIFT and PolyPhen2. The nucleotide c.127 in DNM1 is predicted conserved by GERP++ and PhyloP across 100 vertebrates. For these reasons, this variant has been classified as Pathogenic.

Literature cited by the submitters: PubMed 26611353 (cited by Dasa and Ambry Genetics); PubMed 23977156 (cited by Ambry Genetics); PubMed 11031245 (cited by Ambry Genetics).